The following is an entry in ClinVar:

ClinVar aggregate classification (germline): Uncertain significance. Review status: criteria provided, multiple submitters, no conflicts (2 of 4 stars). 5 submissions from 5 submitters: Uncertain significance (4). 1 of the submissions does not count toward it. Last evaluated 2024-08-04.

Conditions:
Inborn genetic diseases. Identifiers: MedGen C0950123, MeSH D030342.
Nemaline myopathy 2 (NEM2). Also called: Nemaline myopathy 2, autosomal recessive. Identifiers: MedGen C1850569, MONDO:0009725, OMIM 256030.

Allele frequency attached by ClinVar (database versions not stated): gnomAD 0.00008 and 0.00007; ExAC 0.00013; TOPMed 0.00004; gnomAD exomes 0.00012 and 0.00009.
gnomAD v4.1: 175 of 1,613,146 alleles (0.011%); highest among the groups gnomAD compares: Non-Finnish European, 0.014%; no homozygotes.

Submissions (5):

Revvity Omics, Revvity
Classification: Uncertain significance. Last evaluated: 2024-08-04. Review status: criteria provided, single submitter. Criteria: ACMG Guidelines, 2015. Collection method: clinical testing. Allele origin: germline.

Ambry Genetics
Classification: Uncertain significance for Inborn genetic diseases. Last evaluated: 2022-05-09. Review status: criteria provided, single submitter. Criteria: Ambry Variant Classification Scheme 2023. Collection method: clinical testing. Allele origin: germline.

Labcorp Genetics (formerly Invitae), Labcorp
Classification: Uncertain significance for Nemaline myopathy 2. Last evaluated: 2021-09-01. Review status: criteria provided, single submitter. Criteria: Invitae Variant Classification Sherloc (09022015). Collection method: clinical testing. Allele origin: germline.
Comment: This sequence change replaces arginine with glycine at codon 2786 of the NEB protein (p.Arg2786Gly). The arginine residue is moderately conserved and there is a moderate physicochemical difference between arginine and glycine. This variant is present in population databases (rs201747395, ExAC 0.02%). This variant has not been reported in the literature in individuals affected with NEB-related conditions. Algorithms developed to predict the effect of missense changes on protein structure and function are either unavailable or do not agree on the potential impact of this missense change (SIFT: "Deleterious"; PolyPhen-2: "Not Available"; Align-GVGD: "Class C0"). In summary, the available evidence is currently insufficient to determine the role of this variant in disease. Therefore, it has been classified as a Variant of Uncertain Significance.

Illumina Laboratory Services, Illumina
Classification: Uncertain significance for Nemaline myopathy 2. Last evaluated: 2018-01-13. Review status: criteria provided, single submitter. Criteria: ICSL Variant Classification Criteria 13 December 2019. Collection method: clinical testing. Allele origin: germline.

Natera, Inc.
Classification: Uncertain significance for Nemaline myopathy type 2. Last evaluated: 2019-11-11. Review status: no assertion criteria provided. Collection method: clinical testing. Allele origin: germline. Not counted in ClinVar's aggregate classification.

NM_001164508.2(NEB):c.8356A>G (p.Arg2786Gly)

Gene: NEB (nebulin; minus strand). Cytogenetic location: 2q23.3.
Variant type: single nucleotide variant.
Coding change: c.8356A>G on transcript NM_001164508.2 (MANE Select); coding-DNA position 8356, A replaced by G.
Protein change: p.Arg2786Gly; replaces arginine 2786 with glycine.
Molecular consequence: missense variant.
Genome position (GRCh38, 1-based): chr2:151,642,591, T>C on the plus strand (A>G on the coding strand, the complement: NEB is on the minus strand). VCF-style: chr2-151642591-T-C. GRCh37 (hg19) VCF-style: chr2-152499105-T-C.
Other names: c.8356A>G, p.Arg2786Gly (NM_001164507.2, NM_001271208.2, NM_004543.5); short protein forms R2786G.
Identifiers: ClinVar variation 573897 (VCV000573897.13), dbSNP rs201747395, ClinGen allele CA1909622.
Genomic context (GRCh38, chr2:151,642,591, plus strand): 5'-TTTGAGCCAAAGCTAAGGCAAATAACTTTCCAAGTATACTTACTTCACTTGCAATATCTC[T>C]GGAGGCCTTGGCTGCCTTGATAGGAATGGCATCTACCCGCATGTCATAACCTTTCCTCTT-3'
Protein context (NP_001157980.2, residues 2776-2796): AIPIKAAKAS[Arg2786Gly]DIASEFKYKE